The following is an entry in ClinVar:

NM_207346.3(TSEN54):c.167G>A (p.Arg56His)

Gene: TSEN54 (tRNA splicing endonuclease subunit 54; plus strand). Cytogenetic location: 17q25.1.
Variant type: single nucleotide variant.
Coding change: c.167G>A on transcript NM_207346.3 (MANE Select); coding-DNA position 167, G replaced by A.
Protein change: p.Arg56His; replaces arginine 56 with histidine.
Molecular consequence: missense variant.
Genome position (GRCh38, 1-based): chr17:75,516,856, G>A. VCF-style: chr17-75516856-G-A. GRCh37 (hg19) VCF-style: chr17-73512937-G-A.
Other names: short protein forms R56H.
Identifiers: ClinVar variation 1033698 (VCV001033698.1), dbSNP rs1281448557, ClinGen allele CA401027129.

ClinVar aggregate classification (germline): Uncertain significance (1 of 4 stars; one submission).

Conditions:
Pontocerebellar hypoplasia type 2A (PCH2A). Also called: VOLENDAM NEURODEGENERATIVE DISEASE; PONTOCEREBELLAR HYPOPLASIA WITH PROGRESSIVE CEREBRAL ATROPHY. Identifiers: Orphanet 2524, MedGen C1848526, MONDO:0010190, OMIM 277470.

Submission:

Baylor Genetics
Classification: Uncertain significance for Pontocerebellar hypoplasia type 2A. Last evaluated: 2018-09-28. Review status: criteria provided, single submitter. Criteria: ACMG Guidelines, 2015. Collection method: clinical testing. Allele origin: unknown. Affected: yes.
Comment: This variant was determined to be of uncertain significance according to ACMG Guidelines, 2015 [PMID:25741868].